The following is an entry in ClinVar:

ClinVar aggregate classification (germline): Likely benign (0 of 4 stars; one submission).

Conditions:
LENG8-related disorder. Also called: LENG8-related condition.

Allele frequency attached by ClinVar (database versions not stated): gnomAD 0.00008; TOPMed 0.00009; ExAC 0.00011; gnomAD exomes 0.00012.
gnomAD v4.1: 184 of 1,610,144 alleles (0.011%); highest among the groups gnomAD compares: Non-Finnish European, 0.014%; no homozygotes.

Submission:

PreventionGenetics, part of Exact Sciences
Classification: Likely benign for LENG8-related condition. Last evaluated: 2019-03-14. Review status: no assertion criteria provided. Collection method: clinical testing. Allele origin: germline.
Comment: This variant is classified as likely benign based on ACMG/AMP sequence variant interpretation guidelines (Richards et al. 2015 PMID: 25741868, with internal and published modifications).

NM_052925.4(LENG8):c.1392C>T (p.Gly464=)

Gene: LENG8 (leukocyte receptor cluster member 8; plus strand). Cytogenetic location: 19q13.42.
Variant type: single nucleotide variant.
Coding change: c.1392C>T on transcript NM_052925.4 (MANE Select); coding-DNA position 1392, C replaced by T.
Protein change: p.Gly464=; no amino-acid change (glycine 464 retained).
Molecular consequence: synonymous variant.
Genome position (GRCh38, 1-based): chr19:54,456,412, C>T. VCF-style: chr19-54456412-C-T. GRCh37 (hg19) VCF-style: chr19-54967591-C-T.
Other names: c.1392C>T, p.Gly464= (NM_001375638.1, NM_001375640.1, NM_001375641.1); c.1338C>T, p.Gly446= (NM_001375639.1); c.1281C>T, p.Gly427= (NM_001411063.1).
Identifiers: ClinVar variation 3047313 (VCV003047313.2), dbSNP rs756247660, ClinGen allele CA309658923.